The following is an entry in ClinVar:

NM_000443.4(ABCB4):c.3633+1G>A

Gene: ABCB4 (ATP binding cassette subfamily B member 4; minus strand). Cytogenetic location: 7q21.12.
Variant type: single nucleotide variant.
Coding change: c.3633+1G>A on transcript NM_000443.4 (MANE Select); the canonical splice donor site of the intron after coding-DNA position 3633, G replaced by A.
Molecular consequence: splice donor variant.
Genome position (GRCh38, 1-based): chr7:87,403,134, C>T on the plus strand (G>A on the coding strand, the complement: ABCB4 is on the minus strand). VCF-style: chr7-87403134-C-T. GRCh37 (hg19) VCF-style: chr7-87032450-C-T.
Other names: c.3492+1G>A (NM_018850.3); c.3654+1G>A (NM_018849.3).
Identifiers: ClinVar variation 4986097 (VCV004986097.1).

ClinVar aggregate classification (germline): Likely pathogenic (1 of 4 stars; one submission).

Conditions:
ABCB4-related disorder. Also called: ABCB4-related disorders; ABCB4-related condition.

gnomAD v4.1: 1 of 1,614,040 alleles (0.000062%); highest among the groups gnomAD compares: Non-Finnish European, 0.000085%; no homozygotes.

Submission:

PreventionGenetics, part of Exact Sciences
Classification: Likely pathogenic for ABCB4-related condition. Last evaluated: 2026-06-12. Review status: criteria provided, single submitter. Criteria: ACMG Guidelines, 2015. Collection method: clinical testing. Allele origin: germline.
Comment: The ABCB4 c.3633+1G>A variant is predicted to disrupt the GT donor site and interfere with normal splicing. To our knowledge, this variant has not been reported in the literature. Another splice site alteration at this same location (c.3633+1G>T) has been reported in the homozygous state in two affected family members with ABCB4 deficiency (Schatz et al. 2018. PubMed ID: 29761167). This variant is reported in 0.00088% of alleles in individuals of European (Non-Finnish) descent in gnomAD. Variants that disrupt the consensus splice donor site in ABCB4 are expected to be pathogenic. This variant is interpreted as likely pathogenic.